The following is an entry in ClinVar:

NM_000551.4(VHL):c.499C>G (p.Arg167Gly)

Genes: VHL (von Hippel-Lindau tumor suppressor; plus strand), LOC107303340 (3p25 von Hippel-Lindau tumor suppressor, E3 ubiquitin protein ligase Alu-mediated recombination region; plus strand). Cytogenetic location: 3p25.3.
Variant type: single nucleotide variant.
Coding change: c.499C>G on transcript NM_000551.4 (MANE Select); coding-DNA position 499, C replaced by G.
Protein change: p.Arg167Gly; replaces arginine 167 with glycine.
Molecular consequence: missense variant. On other transcripts: 3 prime UTR variant (1).
Genome position (GRCh38, 1-based): chr3:10,149,822, C>G. VCF-style: chr3-10149822-C-G. GRCh37 (hg19) VCF-style: chr3-10191506-C-G.
Other names: c.*53C>G (NM_001354723.2); c.376C>G, p.Arg126Gly (NM_198156.3); short protein forms R167G, R126G.
Identifiers: ClinVar variation 2219 (VCV000002219.13), dbSNP rs5030820, ClinGen allele CA020446.

ClinVar aggregate classification (germline): Pathogenic. Review status: criteria provided, multiple submitters, no conflicts (2 of 4 stars). 4 submissions from 4 submitters: Pathogenic (3). 1 of the submissions does not count toward it. Last evaluated 2022-06-26.

Conditions:
Chuvash polycythemia. Also called: POLYCYTHEMIA, VHL-DEPENDENT. Identifiers: Orphanet 238557, MedGen C1837915, MONDO:0009892, OMIM 263400.
Von Hippel-Lindau syndrome (VHLS). Also called: VHL syndrome; Von Hippel-Lindau; von Hippel–Lindau syndrome. Identifiers: Orphanet 892, MedGen C0019562, MONDO:0008667, OMIM 193300. Disease mechanism: loss of function.
Hereditary cancer-predisposing syndrome. Also called: Neoplastic Syndromes, Hereditary; Hereditary Cancer Syndrome; Tumor predisposition; Hereditary neoplastic syndrome. Identifiers: Orphanet 140162, MedGen C0027672, MeSH D009386, MONDO:0015356.

Submissions (4):

Labcorp Genetics (formerly Invitae), Labcorp
Classification: Pathogenic for Von Hippel-Lindau syndrome; Chuvash polycythemia. Last evaluated: 2022-06-26. Review status: criteria provided, single submitter. Criteria: Invitae Variant Classification Sherloc (09022015). Collection method: clinical testing. Allele origin: germline.
Comment: This variant is not present in population databases (gnomAD no frequency). This missense change has been observed in individual(s) with von Hippel–Lindau disease (VHL) or clinical features of VHL (PMID: 7987306, 19574279; Invitae). In at least one individual the variant was observed to be de novo. This variant is also known as 712C>G, p.Arg238Gly. ClinVar contains an entry for this variant (Variation ID: 2219). Advanced modeling of protein sequence and biophysical properties (such as structural, functional, and spatial information, amino acid conservation, physicochemical variation, residue mobility, and thermodynamic stability) performed at Invitae indicates that this missense variant is expected to disrupt VHL protein function. This variant disrupts the p.Arg167 amino acid residue in VHL. Other variant(s) that disrupt this residue have been determined to be pathogenic (PMID: 7987306, 9829912, 21463266, 25563310). This suggests that this residue is clinically significant, and that variants that disrupt this residue are likely to be disease-causing. For these reasons, this variant has been classified as Pathogenic. This sequence change replaces arginine, which is basic and polar, with glycine, which is neutral and non-polar, at codon 167 of the VHL protein (p.Arg167Gly).

Ambry Genetics
Classification: Pathogenic for Hereditary cancer-predisposing syndrome. Last evaluated: 2021-10-26. Review status: criteria provided, single submitter. Criteria: Ambry Variant Classification Scheme 2023. Collection method: clinical testing. Allele origin: germline.
Comment: The p.R167G pathogenic mutation (also known as c.499C>G), located in coding exon 3 of the VHL gene, results from a C to G substitution at nucleotide position 499. The arginine at codon 167 is replaced by glycine, an amino acid with dissimilar properties. This pathogenic mutation has been reported in multiple individual's with clinical features of VHL (Crossey PA et al. Hum Mol Genet. 1994 Aug;3:1303-8; Gergics P et al. Eur J Endocrinol. 2009 Sep;161:495-502; Krauss T et al. Endocr Relat Cancer. 2018 09;25:783-793). Two other alterations at the same codon, p.R167W (c.499C>T) and p.R167Q (c.500G>A), have been described in numerous VHL families (Babinska A et al. Neuro Endocrinol. Lett. 2015 Dec;36:517-20; Lee JS et al. BMC Med. Genet. 2016 Jul;17:48; Pandit R et al. Eur. J. Endocrinol. 2016 Oct;175(4):311-23; Chew WHW et al. Mol Genet Genomic Med. 2017 Sep;5(5):602-607; Zbar B et al. Hum. Mutat. 1996;8:348-57; Gl&auml;sker S et al. J. Neurol. Neurosurg. Psychiatr. 1999 Dec;67:758-62; Zhou J et al. Pathol. Int. 2010 Jun;60:452-8; Wang X et al. Urology. 2014 Mar;83:675.e1-5; Wong M et al. Chin J Cancer. 2016 Aug;35:79). Available evidence suggests that germline mutations at codon 167 convey an increased risk for developing pheochromocytoma (Crossey PA et al. Hum. Mol. Genet. 1994 Aug;3:1303-8; Chen F et al. Hum. Mut. 1995;5:66-75; Zbar B et al. Hum. Mutat. 1996;8:348-57; Olschwang S et al. Hum. Mut. 1998;12:424-30; Fishbein L et al. Ann. Surg. Oncol. 2013 May;20:1444-50). Of note, this variant may be referred to as c.712C>G (p.R238G) in some older literature. This variant is considered to be rare based on population cohorts in the Genome Aggregation Database (gnomAD). This amino acid position is highly conserved in available vertebrate species. In addition, this alteration is predicted to be deleterious by in silico analysis. Based on the supporting evidence, this alteration is interpreted as a disease-causing mutation.

Genomic Diagnostic Laboratory, Division of Genomic Diagnostics, Children's Hospital of Philadelphia
Classification: Pathogenic for von Hippel-Lindau syndrome. Last evaluated: 2018-08-01. Review status: criteria provided, single submitter. Criteria: DGD Variant Analysis Guidelines. Collection method: clinical testing. Allele origin: germline. Affected: yes. Observed: 1 variant allele.

OMIM
Classification: Pathogenic for VON HIPPEL-LINDAU SYNDROME. Last evaluated: 1995-06-01. Review status: no assertion criteria provided. Collection method: literature only. Allele origin: germline. Not counted in ClinVar's aggregate classification.

Literature cited by the submitters: PubMed 7987306 (cited by Labcorp Genetics (formerly Invitae), Labcorp and Ambry Genetics); PubMed 19574279 (cited by Labcorp Genetics (formerly Invitae), Labcorp and Ambry Genetics); PubMed 9829912 (cited by Labcorp Genetics (formerly Invitae), Labcorp); PubMed 21463266 (cited by Labcorp Genetics (formerly Invitae), Labcorp); PubMed 25563310 (cited by Labcorp Genetics (formerly Invitae), Labcorp); PubMed 29748190 (cited by Ambry Genetics); PubMed 7784063 (cited by OMIM); PubMed 8270255 (cited by OMIM).